The following is an entry in ClinVar:

ClinVar aggregate classification (germline): Uncertain significance (1 of 4 stars; one submission).

Conditions:
Joubert syndrome. Also called: CEREBELLOPARENCHYMAL DISORDER IV; JOUBERT-BOLTSHAUSER SYNDROME; Familial aplasia of the vermis. Identifiers: Orphanet 475, MedGen C5979921, MONDO:0018772.
Meckel-Gruber syndrome. Also called: DYSENCEPHALIA SPLANCHNOCYSTICA; GRUBER SYNDROME; Dysencephalia splachnocystica. Identifiers: Orphanet 564, MedGen C0265215, MONDO:0018921.

Allele frequency attached by ClinVar (database versions not stated): gnomAD exomes below 0.00001.
gnomAD v4.1: 2 of 1,537,728 alleles (0.00013%); highest among the groups gnomAD compares: East Asian, 0.0023%; no homozygotes.

Submission:

Labcorp Genetics (formerly Invitae), Labcorp
Classification: Uncertain significance for Joubert syndrome; Meckel-Gruber syndrome. Last evaluated: 2022-08-10. Review status: criteria provided, single submitter. Criteria: Invitae Variant Classification Sherloc (09022015). Collection method: clinical testing. Allele origin: germline.
Comment: This sequence change falls in intron 2 of the TMEM67 gene. It does not directly change the encoded amino acid sequence of the TMEM67 protein. It affects a nucleotide within the consensus splice site. The frequency data for this variant in the population databases is considered unreliable, as metrics indicate poor data quality at this position in the gnomAD database. This variant has not been reported in the literature in individuals affected with TMEM67-related conditions. ClinVar contains an entry for this variant (Variation ID: 1423092). Variants that disrupt the consensus splice site are a relatively common cause of aberrant splicing (PMID: 17576681, 9536098). Algorithms developed to predict the effect of sequence changes on RNA splicing suggest that this variant may disrupt the consensus splice site. In summary, the available evidence is currently insufficient to determine the role of this variant in disease. Therefore, it has been classified as a Variant of Uncertain Significance.

Literature cited by the submitters: PubMed 17576681; PubMed 9536098.

NM_153704.6(TMEM67):c.312+3G>A

Gene: TMEM67 (transmembrane protein 67; plus strand). Cytogenetic location: 8q22.1.
Variant type: single nucleotide variant.
Coding change: c.312+3G>A on transcript NM_153704.6 (MANE Select); 3 bases into the intron after coding-DNA position 312, G replaced by A.
Molecular consequence: intron variant.
Genome position (GRCh38, 1-based): chr8:93,755,869, G>A. VCF-style: chr8-93755869-G-A. GRCh37 (hg19) VCF-style: chr8-94768097-G-A.
Other names: c.-62+732G>A (NM_001142301.1).
Identifiers: ClinVar variation 1423092 (VCV001423092.3), dbSNP rs1404637051, ClinGen allele CA583406797.
Genomic context (GRCh38, chr8:93,755,869, plus strand): 5'-GATGATCTCTAATAATGGAGGACCTGCTATTATTTGTAAAAAGTGCCCAGAAAACATGGT[G>A]CGCATAATTTATTTTAAAATAACTTACCTGTAAAAAGTAGTAAGTTAAATATCTTTATTT-3'